The following is an entry in ClinVar:

NM_016529.6(ATP8A2):c.2711G>C (p.Gly904Ala)

Gene: ATP8A2 (ATPase phospholipid transporting 8A2). Cytogenetic location: 13q12.13.
Variant type: single nucleotide variant.
Coding change: c.2711G>C on transcript NM_016529.6 (MANE Select); coding-DNA position 2711, G replaced by C.
Protein change: p.Gly904Ala; replaces glycine 904 with alanine.
Molecular consequence: missense variant. On other transcripts: genic downstream transcript variant (1).
Genome position (GRCh38, 1-based): chr13:25,828,149, G>C. VCF-style: chr13-25828149-G-C. GRCh37 (hg19) VCF-style: chr13-26402287-G-C.
Other names: c.2711G>C, p.Gly904Ala (NM_001411006.1); c.2560-9014G>C (NM_001313741.1); short protein forms G904A.
Identifiers: ClinVar variation 2109867 (VCV002109867.4), dbSNP rs370592962, ClinGen allele CA6923417.

ClinVar aggregate classification (germline): Uncertain significance (1 of 4 stars; one submission).

Allele frequency attached by ClinVar (database versions not stated): TOPMed below 0.00001; ExAC 0.00001; gnomAD 0.00001; gnomAD exomes 0.00001; ESP Exome Variant Server 0.00008.
gnomAD v4.1: 5 of 1,613,882 alleles (0.00031%); highest among the groups gnomAD compares: Non-Finnish European, 0.00042%; no homozygotes.

Submission:

Labcorp Genetics (formerly Invitae), Labcorp
Classification: Uncertain significance. Last evaluated: 2022-03-12. Review status: criteria provided, single submitter. Criteria: Invitae Variant Classification Sherloc (09022015). Collection method: clinical testing. Allele origin: germline.
Comment: In summary, the available evidence is currently insufficient to determine the role of this variant in disease. Therefore, it has been classified as a Variant of Uncertain Significance. Algorithms developed to predict the effect of missense changes on protein structure and function are either unavailable or do not agree on the potential impact of this missense change (SIFT: "Deleterious"; PolyPhen-2: "Probably Damaging"; Align-GVGD: "Class C0"). This variant has not been reported in the literature in individuals affected with ATP8A2-related conditions. This variant is present in population databases (rs370592962, gnomAD 0.002%). This sequence change replaces glycine, which is neutral and non-polar, with alanine, which is neutral and non-polar, at codon 904 of the ATP8A2 protein (p.Gly904Ala).